The following is an entry in ClinVar:

NM_001273.5(CHD4):c.606G>A (p.Met202Ile)

Gene: CHD4 (chromodomain helicase DNA binding protein 4; minus strand). Cytogenetic location: 12p13.31.
Variant type: single nucleotide variant.
Coding change: c.606G>A on transcript NM_001273.5 (MANE Select); coding-DNA position 606, G replaced by A.
Protein change: p.Met202Ile; replaces methionine 202 with isoleucine.
Molecular consequence: missense variant.
Genome position (GRCh38, 1-based): chr12:6,601,482, C>T on the plus strand (G>A on the coding strand, the complement: CHD4 is on the minus strand). VCF-style: chr12-6601482-C-T. GRCh37 (hg19) VCF-style: chr12-6710648-C-T.
Other names: c.585G>A, p.Met195Ile (NM_001297553.2); c.606G>A, p.Met202Ile (NM_001363606.2); short protein forms M195I, M202I.
Identifiers: ClinVar variation 2443094 (VCV002443094.2), dbSNP rs2540414441, ClinGen allele CA383603379.
Genomic context (GRCh38, chr12:6,601,482, plus strand): 5'-AGAACTGCCTTTGAAGGGGTTATTGGTACTGAACTCCCGCCATTTTGCACCCAAAACCAT[C>T]ATCATCTTGGAGACAGCAATCTTGGGATTTTTGGCAGCAATGAGGGGTCTGGTGGAGAAA-3'
Protein context (NP_001264.2, residues 192-212): KNPKIAVSKM[Met202Ile]MVLGAKWREF

ClinVar aggregate classification (germline): Uncertain significance (0 of 4 stars; one submission).

Submission:

Genetic Services Laboratory, University of Chicago
Classification: Uncertain significance. Last evaluated: 2022-11-04. Review status: no assertion criteria provided. Collection method: clinical testing. Allele origin: germline. Affected: no.
Comment: DNA sequence analysis of the CHD4 gene demonstrated a sequence change, c.606G>A, in exon 6 that results in an amino acid change, p.Met202Ile. The p.Met202Ile change affects a highly conserved amino acid residue located in a domain of the CHD4 protein that is known to be functional. In-silico pathogenicity prediction tools (SIFT, PolyPhen2, Align GVGD, REVEL) provide contradictory results for the p.Met202Ile substitution. This particular sequence change has been described in the literature as a de-novo heterozygous variant in multiple individuals with congenital heart defects as well as non-cardiac features (PMID: 28991257, 32368696, 31388190). This variant was absent from the control populations in these studies. This sequence change has not been described in population databases such as ExAC and gnomAD. The p.Met202Ile amino acid change occurs in a region of the CHD4 gene where other missense sequence changes have been described in individuals with CHD4-related disorders. Due to insufficient evidences and the lack of functional studies, the clinical significance of the p.Met202Ile change remains unknown at this time.